The following is an entry in ClinVar:

NM_004360.5(CDH1):c.2638G>C (p.Glu880Gln)

Gene: CDH1 (cadherin 1; plus strand). Cytogenetic location: 16q22.1.
Variant type: single nucleotide variant.
Coding change: c.2638G>C on transcript NM_004360.5 (MANE Select); coding-DNA position 2638, G replaced by C.
Protein change: p.Glu880Gln; replaces glutamic acid 880 with glutamine.
Molecular consequence: missense variant.
Genome position (GRCh38, 1-based): chr16:68,833,488, G>C. VCF-style: chr16-68833488-G-C. GRCh37 (hg19) VCF-style: chr16-68867391-G-C.
Other names: c.2638G>C (LRG_301t1); c.2455G>C, p.Glu819Gln (NM_001317184.2); c.1090G>C, p.Glu364Gln (NM_001317185.2); c.673G>C, p.Glu225Gln (NM_001317186.2); short protein forms E880Q, E225Q, E364Q, E819Q.
Identifiers: ClinVar variation 421759 (VCV000421759.9), dbSNP rs34507583, ClinGen allele CA16620261.
Genomic context (GRCh38, chr16:68,833,488, plus strand): 5'-GACTACTTGAACGAATGGGGCAATCGCTTCAAGAAGCTGGCTGACATGTACGGAGGCGGC[G>C]AGGACGACTAGGGGACTCGAGAGAGGCGGGCCCCAGACCCATGTGCTGGGAAATGCAGAA-3'
Protein context (NP_004351.1, residues 870-882): KKLADMYGGG[Glu880Gln]DD

ClinVar aggregate classification (germline): Uncertain significance. Review status: criteria provided, multiple submitters, no conflicts (2 of 4 stars). 3 submissions from 3 submitters: Uncertain significance (3). Last evaluated 2026-05-22.

Conditions:
Hereditary cancer-predisposing syndrome. Also called: Hereditary Cancer Syndrome; Tumor predisposition; Hereditary neoplastic syndrome; Neoplastic Syndromes, Hereditary. Identifiers: Orphanet 140162, MedGen C0027672, MeSH D009386, MONDO:0015356.
Hereditary diffuse gastric adenocarcinoma (HDGC). Also called: DIFFUSE GASTRIC AND LOBULAR BREAST CANCER SYNDROME. Identifiers: Orphanet 26106, MedGen C1708349, MONDO:0007648, OMIM 137215.

Submissions (3):

Ambry Genetics
Classification: Uncertain significance for Hereditary cancer-predisposing syndrome. Last evaluated: 2026-05-22. Review status: criteria provided, single submitter. Criteria: Ambry Variant Classification Scheme 2023. Collection method: clinical testing. Allele origin: germline.
Comment: The p.E880Q variant (also known as c.2638G>C), located in coding exon 16 of the CDH1 gene, results from a G to C substitution at nucleotide position 2638. The glutamic acid at codon 880 is replaced by glutamine, an amino acid with highly similar properties. This amino acid position is highly conserved in available vertebrate species. In addition, the in silico prediction for this alteration is inconclusive. Based on the available evidence, the clinical significance of this variant remains unclear.

Labcorp Genetics (formerly Invitae), Labcorp
Classification: Uncertain significance for Hereditary diffuse gastric adenocarcinoma. Last evaluated: 2025-06-22. Review status: criteria provided, single submitter. Criteria: Invitae Variant Classification Sherloc (09022015). Collection method: clinical testing. Allele origin: germline.
Comment: This sequence change replaces glutamic acid, which is acidic and polar, with glutamine, which is neutral and polar, at codon 880 of the CDH1 protein (p.Glu880Gln). This variant is not present in population databases (gnomAD no frequency). This variant has not been reported in the literature in individuals affected with CDH1-related conditions. ClinVar contains an entry for this variant (Variation ID: 421759). An algorithm developed to predict the effect of missense changes on protein structure and function (PolyPhen-2) suggests that this variant is likely to be tolerated. In summary, the available evidence is currently insufficient to determine the role of this variant in disease. Therefore, it has been classified as a Variant of Uncertain Significance.

GeneDx
Classification: Uncertain significance. Last evaluated: 2016-07-22. Review status: criteria provided, single submitter. Criteria: GeneDx Variant Classification (06012015). Collection method: clinical testing. Allele origin: germline. Affected: yes.
Comment: This variant is denoted CDH1 c.2638G>C at the cDNA level, p.Glu880Gln (E880Q) at the protein level, and results in the change of a Glutamic Acid to a Glutamine (GAG>CAG). This variant has not, to our knowledge, been published in the literature as pathogenic or benign. CDH1 Glu880Gln was not observed in approximately 6,500 individuals of European and African American ancestry in the NHLBI Exome Sequencing Project, suggesting it is not a common benign variant in these populations. Since Glutamic Acid and Glutamine differ in some properties, this is considered a semi-conservative amino acid substitution. CDH1 Glu880Gln occurs at a position where amino acids with properties similar to Glutamic Acid are tolerated across species and is located within the cytoplasmic domain (Brooks-Wilson 2004, Figueiredo 2013). In silico analyses are inconsistent regarding the effect this variant may have on protein structure and function. Based on currently available evidence, it is unclear whether CDH1 Glu880Gln is a pathogenic or benign variant. We consider it to be a variant of uncertain significance.